The following is an entry in ClinVar:

NM_001127222.2(CACNA1A):c.2602G>T (p.Ala868Ser)

Gene: CACNA1A (calcium voltage-gated channel subunit alpha1 A; minus strand). Cytogenetic location: 19p13.13.
Variant type: single nucleotide variant.
Coding change: c.2602G>T on transcript NM_001127222.2 (MANE Select); coding-DNA position 2602, G replaced by T.
Protein change: p.Ala868Ser; replaces alanine 868 with serine.
Molecular consequence: missense variant.
Genome position (GRCh38, 1-based): chr19:13,299,031, C>A on the plus strand (G>T on the coding strand, the complement: CACNA1A is on the minus strand). VCF-style: chr19-13299031-C-A. GRCh37 (hg19) VCF-style: chr19-13409845-C-A.
Other names: c.2614G>T, p.Ala872Ser (NM_000068.4, NM_023035.3); c.2605G>T, p.Ala869Ser (NM_001127221.2, NM_001174080.2); short protein forms A869S, A872S, A868S.
Identifiers: ClinVar variation 2085944 (VCV002085944.4), dbSNP rs1175516920, ClinGen allele CA404343092.

ClinVar aggregate classification (germline): Uncertain significance (1 of 4 stars; one submission).

Conditions:
Episodic ataxia type 2 (EA2). Also called: ATAXIA, EPISODIC, WITH NYSTAGMUS; ATAXIA, FAMILIAL PAROXYSMAL; CEREBELLAR ATAXIA, PAROXYSMAL, ACETAZOLAMIDE-RESPONSIVE; CEREBELLOPATHY, HEREDITARY PAROXYSMAL; EPISODIC ATAXIA, NYSTAGMUS-ASSOCIATED; ACETAZOLAMIDE-RESPONSIVE HEREDITARY PAROXYSMAL CEREBELLAR ATAXIA. Identifiers: Orphanet 97, MedGen C1720416, MONDO:0007163, OMIM 108500.
Developmental and epileptic encephalopathy, 42 (DEE42A). Also called: Epileptic encephalopathy, early infantile, 42; DEVELOPMENTAL AND EPILEPTIC ENCEPHALOPATHY 42A; EPILEPTIC ENCEPHALOPATHY, EARLY INFANTILE, 42A. Identifiers: MedGen C4310716, MONDO:0014917, OMIM 617106.

Submission:

Labcorp Genetics (formerly Invitae), Labcorp
Classification: Uncertain significance for Developmental and epileptic encephalopathy, 42; Episodic ataxia type 2. Last evaluated: 2022-08-16. Review status: criteria provided, single submitter. Criteria: Invitae Variant Classification Sherloc (09022015). Collection method: clinical testing. Allele origin: germline.
Comment: In summary, the available evidence is currently insufficient to determine the role of this variant in disease. Therefore, it has been classified as a Variant of Uncertain Significance. Advanced modeling of protein sequence and biophysical properties (such as structural, functional, and spatial information, amino acid conservation, physicochemical variation, residue mobility, and thermodynamic stability) performed at Invitae indicates that this missense variant is not expected to disrupt CACNA1A protein function. This variant has not been reported in the literature in individuals affected with CACNA1A-related conditions. This variant is not present in population databases (gnomAD no frequency). This sequence change replaces alanine, which is neutral and non-polar, with serine, which is neutral and polar, at codon 869 of the CACNA1A protein (p.Ala869Ser).